The following is an entry in ClinVar:

ClinVar aggregate classification (germline): Uncertain significance (1 of 4 stars; one submission).

Conditions:
Familial hemophagocytic lymphohistiocytosis 4 (FHL4). Also called: STX11-Related Familial Hemophagocytic Lymphohistiocytosis (STX11-fHLH). Identifiers: Orphanet 540, MedGen C1863728, MONDO:0011336, OMIM 603552.

gnomAD v4.1: 1 of 1,613,842 alleles (0.000062%); no homozygotes.

Submission:

Labcorp Genetics (formerly Invitae), Labcorp
Classification: Uncertain significance for Familial hemophagocytic lymphohistiocytosis 4. Last evaluated: 2021-12-24. Review status: criteria provided, single submitter. Criteria: Invitae Variant Classification Sherloc (09022015). Collection method: clinical testing. Allele origin: germline.
Comment: This sequence change replaces leucine, which is neutral and non-polar, with isoleucine, which is neutral and non-polar, at codon 204 of the STX11 protein (p.Leu204Ile). This variant is not present in population databases (gnomAD no frequency). This variant has not been reported in the literature in individuals affected with STX11-related conditions. Algorithms developed to predict the effect of missense changes on protein structure and function are either unavailable or do not agree on the potential impact of this missense change (SIFT: "Deleterious"; PolyPhen-2: "Probably Damaging"; Align-GVGD: "Class C0"). In summary, the available evidence is currently insufficient to determine the role of this variant in disease. Therefore, it has been classified as a Variant of Uncertain Significance.

NM_003764.4(STX11):c.610C>A (p.Leu204Ile)

Gene: STX11 (syntaxin 11; plus strand). Cytogenetic location: 6q24.2.
Variant type: single nucleotide variant.
Coding change: c.610C>A on transcript NM_003764.4 (MANE Select); coding-DNA position 610, C replaced by A.
Protein change: p.Leu204Ile; replaces leucine 204 with isoleucine.
Molecular consequence: missense variant.
Genome position (GRCh38, 1-based): chr6:144,187,237, C>A. VCF-style: chr6-144187237-C-A. GRCh37 (hg19) VCF-style: chr6-144508374-C-A.
Other names: short protein forms L204I.
Identifiers: ClinVar variation 2056993 (VCV002056993.4), dbSNP rs2533804352, ClinGen allele CA365949616.